The following is an entry in ClinVar:

NM_001447.3(FAT2):c.165C>T (p.Phe55=)

Gene: FAT2 (FAT atypical cadherin 2; minus strand). Cytogenetic location: 5q33.1.
Variant type: single nucleotide variant.
Coding change: c.165C>T on transcript NM_001447.3 (MANE Select); coding-DNA position 165, C replaced by T.
Protein change: p.Phe55=; no amino-acid change (phenylalanine 55 retained).
Molecular consequence: synonymous variant.
Genome position (GRCh38, 1-based): chr5:151,568,767, G>A on the plus strand (C>T on the coding strand, the complement: FAT2 is on the minus strand). VCF-style: chr5-151568767-G-A. GRCh37 (hg19) VCF-style: chr5-150948328-G-A.
Identifiers: ClinVar variation 2076527 (VCV002076527.12), dbSNP rs61375036, ClinGen allele CA3522484.

ClinVar aggregate classification (germline): Benign/Likely benign. Review status: criteria provided, multiple submitters, no conflicts (2 of 4 stars). 2 submissions from 2 submitters: Benign (1); Likely benign (1). Last evaluated 2025-10-26.

Allele frequency attached by ClinVar (database versions not stated): gnomAD exomes 0.00027; ExAC 0.00070; 1000 Genomes Project 0.00160; 1000 Genomes Project 30x 0.00172; gnomAD 0.00196; TOPMed 0.00201; ESP Exome Variant Server 0.00215.
gnomAD v4.1: 706 of 1,614,084 alleles (0.044%); highest among the groups gnomAD compares: African/African-American, 0.6%; 2 homozygotes.

Submissions (2):

Labcorp Genetics (formerly Invitae), Labcorp
Classification: Benign. Last evaluated: 2025-10-26. Review status: criteria provided, single submitter. Criteria: Invitae Variant Classification Sherloc (09022015). Collection method: clinical testing. Allele origin: germline.

CeGaT Center for Human Genetics Tuebingen
Classification: Likely benign. Last evaluated: 2025-08-01. Review status: criteria provided, single submitter. Criteria: CeGaT Center For Human Genetics Tuebingen Variant Classification Criteria Version 2. Collection method: clinical testing. Allele origin: germline. Affected: yes. Observed: 1 variant allele.
Comment: FAT2: BP4, BP7